The following is an entry in ClinVar:

NM_020822.3(KCNT1):c.2410A>G (p.Ile804Val)

Gene: KCNT1 (potassium sodium-activated channel subfamily T member 1; plus strand). Cytogenetic location: 9q34.3.
Variant type: single nucleotide variant.
Coding change: c.2410A>G on transcript NM_020822.3 (MANE Select); coding-DNA position 2410, A replaced by G.
Protein change: p.Ile804Val; replaces isoleucine 804 with valine.
Molecular consequence: missense variant.
Genome position (GRCh38, 1-based): chr9:135,777,398, A>G. VCF-style: chr9-135777398-A-G. GRCh37 (hg19) VCF-style: chr9-138669244-A-G.
Other names: c.2275A>G, p.Ile759Val (NM_001272003.2); short protein forms I759V, I804V.
Identifiers: ClinVar variation 3758975 (VCV003758975.2).

ClinVar aggregate classification (germline): Uncertain significance (1 of 4 stars; one submission).

Conditions:
Autosomal dominant nocturnal frontal lobe epilepsy 5. Also called: KCNT1-Related Epilepsy; CILIARY DYSKINESIA, PRIMARY, 28, WITHOUT SITUS INVERSUS; CILIARY DYSKINESIA, PRIMARY, 28, WITH SITUS INVERSUS; Epilepsy, nocturnal frontal lobe, 5. Identifiers: Orphanet 98784, MedGen C3554306, MONDO:0014002, OMIM 615005.
Developmental and epileptic encephalopathy, 14 (DEE14). Also called: Early infantile epileptic encephalopathy 14. Identifiers: Orphanet 293181, MedGen C3554195, MONDO:0013989, OMIM 614959.

gnomAD v4.1: 14 of 1,613,996 alleles (0.00087%); highest among the groups gnomAD compares: Admixed American, 0.015%; no homozygotes.

Submission:

Labcorp Genetics (formerly Invitae), Labcorp
Classification: Uncertain significance for Autosomal dominant nocturnal frontal lobe epilepsy 5; Developmental and epileptic encephalopathy, 14. Last evaluated: 2025-07-03. Review status: criteria provided, single submitter. Criteria: Invitae Variant Classification Sherloc (09022015). Collection method: clinical testing. Allele origin: germline.
Comment: This sequence change replaces isoleucine, which is neutral and non-polar, with valine, which is neutral and non-polar, at codon 804 of the KCNT1 protein (p.Ile804Val). This variant is present in population databases (no rsID available, gnomAD 0.01%). This variant has not been reported in the literature in individuals affected with KCNT1-related conditions. ClinVar contains an entry for this variant (Variation ID: 3758975). Invitae Evidence Modeling of protein sequence and biophysical properties (such as structural, functional, and spatial information, amino acid conservation, physicochemical variation, residue mobility, and thermodynamic stability) has been performed for this missense variant. However, the output from this modeling did not meet the statistical confidence thresholds required to predict the impact of this variant on KCNT1 protein function. In summary, the available evidence is currently insufficient to determine the role of this variant in disease. Therefore, it has been classified as a Variant of Uncertain Significance.